The following is an entry in ClinVar:

ClinVar aggregate classification (germline): Uncertain significance (1 of 4 stars; one submission).

Conditions:
Neurofibromatosis, type 1 (NF1). Also called: Peripheral type neurofibromatosis; NEUROFIBROMATOSIS, TYPE I, SOMATIC; Neurofibromatosis, type I; VON RECKLINGHAUSEN DISEASE. Identifiers: Orphanet 636, MedGen C0027831, MONDO:0018975, OMIM 162200. Disease mechanism: loss of function.

gnomAD v4.1: 1 of 1,614,132 alleles (0.000062%); highest among the groups gnomAD compares: South Asian, 0.0011%; no homozygotes.

Submission:

Labcorp Genetics (formerly Invitae), Labcorp
Classification: Uncertain significance for Neurofibromatosis, type 1. Last evaluated: 2017-01-15. Review status: criteria provided, single submitter. Criteria: Invitae Variant Classification Sherloc (09022015). Collection method: clinical testing. Allele origin: germline.
Comment: In summary, this variant is a rare missense change with uncertain impact on protein function. There is no indication that it causes disease, but the available evidence is currently insufficient to prove that conclusively. Therefore, it has been classified as a Variant of Uncertain Significance. Algorithms developed to predict the effect of missense changes on protein structure and function do not agree on the potential impact of this missense change (SIFT: "Deleterious"; PolyPhen-2: "Benign"; Align-GVGD: "Class C0"). This variant is not present in population databases (ExAC no frequency) and has not been reported in the literature in individuals with a NF1-related disease. ClinVar contains an entry for this variant (Variation ID: 219670). This sequence change replaces asparagine with histidine at codon 1338 of the NF1 protein (p.Asn1338His). The asparagine residue is moderately conserved and there is a small physicochemical difference between asparagine and histidine.

NM_001042492.3(NF1):c.4012A>C (p.Asn1338His)

Gene: NF1 (neurofibromin 1; plus strand). Cytogenetic location: 17q11.2.
Variant type: single nucleotide variant.
Coding change: c.4012A>C on transcript NM_001042492.3 (MANE Select); coding-DNA position 4012, A replaced by C.
Protein change: p.Asn1338His; replaces asparagine 1338 with histidine.
Molecular consequence: missense variant.
Genome position (GRCh38, 1-based): chr17:31,249,021, A>C. VCF-style: chr17-31249021-A-C. GRCh37 (hg19) VCF-style: chr17-29576039-A-C.
Other names: c.4012A>C, p.Asn1338His (NM_000267.4); short protein forms N1338H.
Identifiers: ClinVar variation 219670 (VCV000219670.5), dbSNP rs864622202, ClinGen allele CA349017.